The following is an entry in ClinVar:

NM_001195263.2(PDZD7):c.766G>A (p.Asp256Asn)

Gene: PDZD7 (PDZ domain containing 7; minus strand). Cytogenetic location: 10q24.31.
Variant type: single nucleotide variant.
Coding change: c.766G>A on transcript NM_001195263.2 (MANE Select); coding-DNA position 766, G replaced by A.
Protein change: p.Asp256Asn; replaces aspartic acid 256 with asparagine.
Molecular consequence: missense variant.
Genome position (GRCh38, 1-based): chr10:101,021,899, C>T on the plus strand (G>A on the coding strand, the complement: PDZD7 is on the minus strand). VCF-style: chr10-101021899-C-T. GRCh37 (hg19) VCF-style: chr10-102781656-C-T.
Other names: c.766G>A, p.Asp256Asn (NM_001351044.2, NM_024895.5); short protein forms D256N.
Identifiers: ClinVar variation 1346592 (VCV001346592.8), dbSNP rs1348978737, ClinGen allele CA378229822.

ClinVar aggregate classification (germline): Uncertain significance (1 of 4 stars; one submission).

Allele frequency attached by ClinVar (database versions not stated): TOPMed below 0.00001; gnomAD 0.00001; gnomAD exomes 0.00001.

Submission:

Labcorp Genetics (formerly Invitae), Labcorp
Classification: Uncertain significance. Last evaluated: 2024-10-15. Review status: criteria provided, single submitter. Criteria: Invitae Variant Classification Sherloc (09022015). Collection method: clinical testing. Allele origin: germline.
Comment: This sequence change replaces aspartic acid, which is acidic and polar, with asparagine, which is neutral and polar, at codon 256 of the PDZD7 protein (p.Asp256Asn). This variant is present in population databases (no rsID available, gnomAD 0.007%). This variant has not been reported in the literature in individuals affected with PDZD7-related conditions. ClinVar contains an entry for this variant (Variation ID: 1346592). Invitae Evidence Modeling of protein sequence and biophysical properties (such as structural, functional, and spatial information, amino acid conservation, physicochemical variation, residue mobility, and thermodynamic stability) has been performed for this missense variant. However, the output from this modeling did not meet the statistical confidence thresholds required to predict the impact of this variant on PDZD7 protein function. In summary, the available evidence is currently insufficient to determine the role of this variant in disease. Therefore, it has been classified as a Variant of Uncertain Significance.